The following is an entry in ClinVar:

ClinVar aggregate classification (germline): Pathogenic/Likely pathogenic. Review status: criteria provided, multiple submitters, no conflicts (2 of 4 stars). 2 submissions from 2 submitters: Pathogenic (1); Likely pathogenic (1). Last evaluated 2025-11-09.

Conditions:
Autosomal recessive nonsyndromic hearing loss 18B. Also called: Deafness, autosomal recessive 18b. Identifiers: Orphanet 90636, MedGen C3554163, MONDO:0013985, OMIM 614945.

Submissions (2):

Labcorp Genetics (formerly Invitae), Labcorp
Classification: Pathogenic. Last evaluated: 2025-11-09. Review status: criteria provided, single submitter. Criteria: Invitae Variant Classification Sherloc (09022015). Collection method: clinical testing. Allele origin: germline.
Comment: This sequence change creates a premature translational stop signal (p.Met1991Cysfs*40) in the OTOG gene. It is expected to result in an absent or disrupted protein product. Loss-of-function variants in OTOG are known to be pathogenic (PMID: 23122587). This variant is present in population databases (no rsID available, gnomAD 0.004%). This variant has not been reported in the literature in individuals affected with OTOG-related conditions. ClinVar contains an entry for this variant (Variation ID: 3600369). For these reasons, this variant has been classified as Pathogenic.

Clinical Genomics Laboratory, Washington University in St. Louis
Classification: Likely pathogenic for Autosomal recessive nonsyndromic hearing loss 18B. Last evaluated: 2024-05-16. Review status: criteria provided, single submitter. Criteria: ACMG Guidelines, 2015. Collection method: clinical testing. Allele origin: germline. Affected: yes.
Comment: The OTOG c.5935del (p.Met1979Cysfs*40) variant, to our knowledge, has not been reported in the medical literature. This variant is only observed on 3/180,260 alleles in the general population (gnomAD v.2.1.1), indicating it is not a common variant. This variant causes a frameshift by deleting a single nucleotide, leading to a premature termination codon, which is predicted to lead to nonsense mediated decay. Based on available information and the ACMG/AMP guidelines for variant interpretation (Richards S et al., PMID: 25741868), this variant is classified as likely pathogenic.

Literature cited by the submitters: PubMed 23122587 (cited by Labcorp Genetics (formerly Invitae), Labcorp).

NM_001292063.2(OTOG):c.5935del (p.Met1979fs)

Gene: OTOG (otogelin; plus strand). Cytogenetic location: 11p15.1.
Variant type: Deletion.
Coding change: c.5935del on transcript NM_001292063.2 (MANE Select); coding-DNA position 5935, one base deleted (A; older notation c.5935delA).
Protein change: p.Met1979fs; shifts the reading frame from methionine 1979.
Molecular consequence: frameshift variant.
Genome position (GRCh38, 1-based): chr11:17,611,235, A deleted. VCF-style (leftmost placement, unchanged base first): chr11-17611234-CA-C. GRCh37 (hg19) VCF-style: chr11-17632781-CA-C.
Other names: c.5971del, p.Met1991fs (NM_001277269.2); short protein forms M1979fs, M1991fs.
Identifiers: ClinVar variation 3600369 (VCV003600369.2).